The following is an entry in ClinVar:

NM_001267550.2(TTN):c.104660C>T (p.Pro34887Leu)

Genes: TTN-AS1 (TTN antisense RNA 1; plus strand), TTN (titin; minus strand). Cytogenetic location: 2q31.2.
Variant type: single nucleotide variant.
Coding change: c.104660C>T on transcript NM_001267550.2 (MANE Select); coding-DNA position 104660, C replaced by T.
Protein change: p.Pro34887Leu; replaces proline 34887 with leucine.
Molecular consequence: missense variant.
Genome position (GRCh38, 1-based): chr2:178,531,955, G>A on the plus strand (C>T on the coding strand, the complement: TTN is on the minus strand). VCF-style: chr2-178531955-G-A. GRCh37 (hg19) VCF-style: chr2-179396682-G-A.
Other names: p.Pro32319Leu; c.99737C>T, p.Pro33246Leu (NM_001256850.1); c.77465C>T, p.Pro25822Leu (NM_003319.4); c.96956C>T, p.Pro32319Leu (NM_133378.4); c.77840C>T, p.Pro25947Leu (NM_133432.3); c.78041C>T, p.Pro26014Leu (NM_133437.4); short protein forms P34887L, P32319L, P25822L, P25947L, P26014L, P33246L.
Identifiers: ClinVar variation 196655 (VCV000196655.17), dbSNP rs774131659, ClinGen allele CA243696.

ClinVar aggregate classification (germline): Conflicting classifications of pathogenicity. Review status: criteria provided, conflicting classifications (1 of 4 stars). 5 submissions from 5 submitters: Uncertain significance (4); Likely benign (1). Last evaluated 2025-12-08.

Conditions:
Dilated cardiomyopathy 1G (CMD1G). Identifiers: Orphanet 154, MedGen C1858763, MONDO:0011400, OMIM 604145.
Autosomal recessive limb-girdle muscular dystrophy type 2J (LGMDR10). Also called: MUSCULAR DYSTROPHY, LIMB-GIRDLE, AUTOSOMAL RECESSIVE 10; Limb-girdle muscular dystrophy, type 2J. Identifiers: Orphanet 140922, MedGen C1837342, MONDO:0012127, OMIM 608807.
Myopathy, myofibrillar, 9, with early respiratory failure (MFM9). Also called: EDSTROM MYOPATHY; MYOPATHY, PROXIMAL, WITH EARLY RESPIRATORY MUSCLE INVOLVEMENT; Myopathy, distal, with early respiratory failure, autosomal dominant; Hereditary myopathy with early respiratory failure. Identifiers: Orphanet 178464, Orphanet 34521, MedGen C1863599, MONDO:0011362, OMIM 603689.
Early-onset myopathy with fatal cardiomyopathy (CMYO5). Also called: CONGENITAL MYOPATHY 5 WITH CARDIOMYOPATHY; Salih Myopathy. Identifiers: Orphanet 289377, MedGen C2673677, MONDO:0012714, OMIM 611705. Disease mechanism: loss of function.
Hypertrophic cardiomyopathy 9. Also called: Familial hypertrophic cardiomyopathy 9. Identifiers: MedGen C1861065, MONDO:0013412, OMIM 613765.
Tibial muscular dystrophy (TMD). Also called: UDD MYOPATHY; Tibial muscular dystrophy, tardive; Udd Distal Myopathy – Tibial Muscular Dystrophy. Identifiers: Orphanet 609, MedGen C1838244, MONDO:0010870, OMIM 600334.

Allele frequency attached by ClinVar (database versions not stated): ExAC 0.00001.
gnomAD v4.1: 8 of 1,613,546 alleles (0.0005%); highest among the groups gnomAD compares: Non-Finnish European, 0.00068%; no homozygotes.

Submissions (5):

Labcorp Genetics (formerly Invitae), Labcorp
Classification: Uncertain significance for Dilated cardiomyopathy 1G; Autosomal recessive limb-girdle muscular dystrophy type 2J. Last evaluated: 2025-12-08. Review status: criteria provided, single submitter. Criteria: Invitae Variant Classification Sherloc (09022015). Collection method: clinical testing. Allele origin: germline.
Comment: This sequence change replaces proline, which is neutral and non-polar, with leucine, which is neutral and non-polar, at codon 34887 of the TTN protein (p.Pro34887Leu). This variant is not present in population databases (gnomAD no frequency). This variant has not been reported in the literature in individuals affected with TTN-related conditions. ClinVar contains an entry for this variant (Variation ID: 196655). Experimental studies and prediction algorithms are not available or were not evaluated, and the functional significance of this variant is currently unknown. This variant is located in the M band of TTN (PMID: 25589632). Non-truncating variants in this region may be relevant for neuromuscular disorders, but have not been definitively shown to cause cardiomyopathy (PMID: 23975875). In summary, the available evidence is currently insufficient to determine the role of this variant in disease. Therefore, it has been classified as a Variant of Uncertain Significance.

Molecular Diagnostic Laboratory for Inherited Cardiovascular Disease, Montreal Heart Institute
Classification: Likely benign. Last evaluated: 2025-04-09. Review status: criteria provided, single submitter. Criteria: ACMG Guidelines, 2015. Collection method: clinical testing. Allele origin: germline. Affected: no.

Mayo Clinic Laboratories, Mayo Clinic
Classification: Uncertain significance. Last evaluated: 2022-01-12. Review status: criteria provided, single submitter. Criteria: ACMG Guidelines, 2015. Collection method: clinical testing. Allele origin: germline.

Fulgent Genetics
Classification: Uncertain significance for Tibial muscular dystrophy; Myopathy, myofibrillar, 9, with early respiratory failure; Dilated cardiomyopathy 1G; Autosomal recessive limb-girdle muscular dystrophy type 2J; Early-onset myopathy with fatal cardiomyopathy; Hypertrophic cardiomyopathy 9. Last evaluated: 2018-10-31. Review status: criteria provided, single submitter. Criteria: ACMG Guidelines, 2015. Collection method: clinical testing. Allele origin: unknown.

Eurofins Ntd Llc (ga)
Classification: Uncertain significance. Last evaluated: 2014-10-21. Review status: criteria provided, single submitter. Criteria: EGL Classification Definitions 2015. Collection method: clinical testing. Allele origin: germline. Observed: 1 variant allele, 1 heterozygote.

Literature cited by the submitters: PubMed 25589632 (cited by Labcorp Genetics (formerly Invitae), Labcorp); PubMed 23975875 (cited by Labcorp Genetics (formerly Invitae), Labcorp).